The following is an entry in ClinVar:

ClinVar aggregate classification (germline): Likely benign. Review status: criteria provided, multiple submitters, no conflicts (2 of 4 stars). 2 submissions from 2 submitters: Likely benign (2). Last evaluated 2025-11-10.

Allele frequency attached by ClinVar (database versions not stated): TOPMed 0.00001.
gnomAD v4.1: 14 of 1,444,550 alleles (0.00097%); highest among the groups gnomAD compares: Admixed American, 0.0063%; no homozygotes.

Submissions (2):

Labcorp Genetics (formerly Invitae), Labcorp
Classification: Likely benign. Last evaluated: 2025-11-10. Review status: criteria provided, single submitter. Criteria: Invitae Variant Classification Sherloc (09022015). Collection method: clinical testing. Allele origin: germline.

GeneDx
Classification: Likely benign. Last evaluated: 2017-03-28. Review status: criteria provided, single submitter. Criteria: GeneDx Variant Classification (06012015). Collection method: clinical testing. Allele origin: germline. Affected: yes.
Comment: This variant is considered likely benign or benign based on one or more of the following criteria: it is a conservative change, it occurs at a poorly conserved position in the protein, it is predicted to be benign by multiple in silico algorithms, and/or has population frequency not consistent with disease.

NM_004341.5(CAD):c.6576-5T>G

Genes: CAD (carbamoyl-phosphate synthetase 2, aspartate transcarbamylase, and dihydroorotase; plus strand), LOC126806172 (CDK7 strongly-dependent group 2 enhancer GRCh37_chr2:27465505-27466704; plus strand). Cytogenetic location: 2p23.3.
Variant type: single nucleotide variant.
Coding change: c.6576-5T>G on transcript NM_004341.5 (MANE Select); 5 bases into the intron before coding-DNA position 6576, T replaced by G.
Molecular consequence: intron variant.
Genome position (GRCh38, 1-based): chr2:27,243,411, T>G. VCF-style: chr2-27243411-T-G. GRCh37 (hg19) VCF-style: chr2-27466279-T-G.
Other names: c.6387-5T>G (NM_001306079.2).
Identifiers: ClinVar variation 508316 (VCV000508316.7), dbSNP rs777480937, ClinGen allele CA531426246.
Genomic context (GRCh38, chr2:27,243,411, plus strand): 5'-TCCTGGACAAGCCATCCATGGGCTGCACGATAACACTTCCTTTTTTTTTTTTTTTTTTTT[T>G]GCAGCGTGGAAGTGGACTCGGATCCCCGCGCAGCCTACTTCCGCCAGGCTGAGAACGGCA-3'